The following is an entry in ClinVar:

ClinVar aggregate classification (germline): Uncertain significance (1 of 4 stars; one submission).

Conditions:
Neuronopathy, distal hereditary motor, type 7A. Also called: HARPER-YOUNG MYOPATHY; HMN VIIA; SPINAL MUSCULAR ATROPHY, DISTAL, WITH VOCAL CORD PARALYSIS; NEURONOPATHY, DISTAL HEREDITARY MOTOR, HARDING TYPE VIIA; NEUROPATHY, DISTAL HEREDITARY MOTOR, HARDING TYPE VIIA; Neuronopathy, distal hereditary motor, autosomal dominant 7. Identifiers: Orphanet 139589, MedGen C1834703, MONDO:0008024, OMIM 158580.
Congenital myasthenic syndrome 20. Also called: Myasthenic syndrome, congenital, 20, presynaptic. Identifiers: MedGen C4310694, MONDO:0014939, OMIM 617143.

Allele frequency attached by ClinVar (database versions not stated): TOPMed below 0.00001; gnomAD 0.00001; gnomAD exomes 0.00001.
gnomAD v4.1: 21 of 1,613,720 alleles (0.0013%); highest among the groups gnomAD compares: Non-Finnish European, 0.0018%; no homozygotes.

Submission:

Labcorp Genetics (formerly Invitae), Labcorp
Classification: Uncertain significance for Neuronopathy, distal hereditary motor, type 7A; Congenital myasthenic syndrome 20. Last evaluated: 2022-08-09. Review status: criteria provided, single submitter. Criteria: Invitae Variant Classification Sherloc (09022015). Collection method: clinical testing. Allele origin: germline.
Comment: This sequence change replaces asparagine, which is neutral and polar, with serine, which is neutral and polar, at codon 536 of the SLC5A7 protein (p.Asn536Ser). In summary, the available evidence is currently insufficient to determine the role of this variant in disease. Therefore, it has been classified as a Variant of Uncertain Significance. Algorithms developed to predict the effect of missense changes on protein structure and function (SIFT, PolyPhen-2, Align-GVGD) all suggest that this variant is likely to be tolerated. This variant has not been reported in the literature in individuals affected with SLC5A7-related conditions. This variant is present in population databases (no rsID available, gnomAD 0.002%).

NM_021815.5(SLC5A7):c.1607A>G (p.Asn536Ser)

Gene: SLC5A7 (solute carrier family 5 member 7; plus strand). Cytogenetic location: 2q12.3.
Variant type: single nucleotide variant.
Coding change: c.1607A>G on transcript NM_021815.5 (MANE Select); coding-DNA position 1607, A replaced by G.
Protein change: p.Asn536Ser; replaces asparagine 536 with serine.
Molecular consequence: missense variant.
Genome position (GRCh38, 1-based): chr2:108,010,725, A>G. VCF-style: chr2-108010725-A-G. GRCh37 (hg19) VCF-style: chr2-108627181-A-G.
Other names: c.1607A>G, p.Asn536Ser (NM_001305005.3); c.1292A>G, p.Asn431Ser (NM_001305006.3); c.866A>G, p.Asn289Ser (NM_001305007.3); short protein forms N431S, N289S, N536S.
Identifiers: ClinVar variation 2044374 (VCV002044374.4), dbSNP rs1365020634, ClinGen allele CA348114957.